The following is an entry in ClinVar:

ClinVar aggregate classification (germline): Benign/Likely benign. Review status: criteria provided, multiple submitters, no conflicts (2 of 4 stars). 4 submissions from 4 submitters: Benign (2); Likely benign (2). Last evaluated 2026-01-26.

Allele frequency attached by ClinVar (database versions not stated): 1000 Genomes Project 0.00100; ExAC 0.00111; ESP Exome Variant Server 0.00115; gnomAD 0.00121; 1000 Genomes Project 30x 0.00125; TOPMed 0.00125; gnomAD exomes 0.00135 and 0.00163.
gnomAD v4.1: 2,552 of 1,613,630 alleles (0.16%); highest among the groups gnomAD compares: Admixed American, 0.26%; 4 homozygotes.

Submissions (14):

Labcorp Genetics (formerly Invitae), Labcorp
Classification: Benign. Last evaluated: 2026-01-26. Review status: criteria provided, single submitter. Criteria: Invitae Variant Classification Sherloc (09022015). Collection method: clinical testing. Allele origin: germline.

Blueprint Genetics
Classification: Likely benign. Last evaluated: 2024-11-21. Review status: criteria provided, single submitter. Criteria: ACMG Guidelines, 2015. Collection method: clinical testing. Allele origin: germline.

CeGaT Center for Human Genetics Tuebingen
Classification: Likely benign. Last evaluated: 2023-10-01. Review status: criteria provided, single submitter. Criteria: CeGaT Center For Human Genetics Tuebingen Variant Classification Criteria Version 2. Collection method: clinical testing. Allele origin: germline. Affected: yes. Observed: 1 variant allele.
Comment: LARS1: BP4

GeneDx
Classification: Benign. Last evaluated: 2014-09-02. Review status: criteria provided, single submitter. Criteria: GeneDx Variant Classification (06012015). Collection method: clinical testing. Allele origin: germline. Affected: yes.
Comment: This variant is considered likely benign or benign based on one or more of the following criteria: it is a conservative change, it occurs at a poorly conserved position in the protein, it is predicted to be benign by multiple in silico algorithms, and/or has population frequency not consistent with disease.

Dr. Peter K. Rogan Lab, Western University
No classification provided (evidence only). Condition: Familial cancer of breast. Review status: no classification provided. Collection method: in vitro. Allele origin: not applicable. Functional consequence: retained intron. Not counted in ClinVar's aggregate classification.

Dr. Peter K. Rogan Lab, Western University
No classification provided (evidence only). Condition: Familial cancer of breast. Review status: no classification provided. Collection method: in vitro. Allele origin: not applicable. Functional consequence: retained intron. Not counted in ClinVar's aggregate classification.

Dr. Peter K. Rogan Lab, Western University
No classification provided (evidence only). Condition: Familial cancer of breast. Review status: no classification provided. Collection method: in vitro. Allele origin: not applicable. Functional consequence: retained intron. Not counted in ClinVar's aggregate classification.

Dr. Peter K. Rogan Lab, Western University
No classification provided (evidence only). Condition: Thyroid cancer, nonmedullary, 1. Review status: no classification provided. Collection method: in vitro. Allele origin: not applicable. Functional consequence: retained intron. Not counted in ClinVar's aggregate classification.

Dr. Peter K. Rogan Lab, Western University
No classification provided (evidence only). Condition: Cervical cancer. Review status: no classification provided. Collection method: in vitro. Allele origin: not applicable. Functional consequence: retained intron. Not counted in ClinVar's aggregate classification.

Dr. Peter K. Rogan Lab, Western University
No classification provided (evidence only). Condition: Sarcoma. Review status: no classification provided. Collection method: in vitro. Allele origin: not applicable. Functional consequence: retained intron. Not counted in ClinVar's aggregate classification.

Dr. Peter K. Rogan Lab, Western University
No classification provided (evidence only). Condition: Ovarian serous cystadenocarcinoma. Review status: no classification provided. Collection method: in vitro. Allele origin: not applicable. Functional consequence: retained intron. Not counted in ClinVar's aggregate classification.

Dr. Peter K. Rogan Lab, Western University
No classification provided (evidence only). Condition: Ovarian serous cystadenocarcinoma. Review status: no classification provided. Collection method: in vitro. Allele origin: not applicable. Functional consequence: retained intron. Not counted in ClinVar's aggregate classification.

Dr. Peter K. Rogan Lab, Western University
No classification provided (evidence only). Condition: Ovarian serous cystadenocarcinoma. Review status: no classification provided. Collection method: in vitro. Allele origin: not applicable. Functional consequence: retained intron. Not counted in ClinVar's aggregate classification.

Dr. Peter K. Rogan Lab, Western University
No classification provided (evidence only). Condition: Malignant tumor of esophagus. Review status: no classification provided. Collection method: in vitro. Allele origin: not applicable. Functional consequence: retained intron. Not counted in ClinVar's aggregate classification.

NM_020117.11(LARS1):c.3336A>G (p.Lys1112=)

Gene: LARS1 (leucyl-tRNA synthetase 1; minus strand). Cytogenetic location: 5q32.
Variant type: single nucleotide variant.
Coding change: c.3336A>G on transcript NM_020117.11 (MANE Select); coding-DNA position 3336, A replaced by G.
Protein change: p.Lys1112=; no amino-acid change (lysine 1112 retained).
Molecular consequence: synonymous variant.
Genome position (GRCh38, 1-based): chr5:146,114,301, T>C on the plus strand (A>G on the coding strand, the complement: LARS1 is on the minus strand). VCF-style: chr5-146114301-T-C. GRCh37 (hg19) VCF-style: chr5-145493864-T-C.
Other names: p.K1112K:AAA>AAG; c.3198A>G, p.Lys1066= (NM_001317964.2); c.3174A>G, p.Lys1058= (NM_001317965.2); c.3255A>G, p.Lys1085= (NM_016460.4).
Identifiers: ClinVar variation 214570 (VCV000214570.36), dbSNP rs141790396, ClinGen allele CA322006.